The following is an entry in ClinVar:

NM_000424.4(KRT5):c.322G>A (p.Gly108Ser)

Gene: KRT5 (keratin 5; minus strand). Cytogenetic location: 12q13.13.
Variant type: single nucleotide variant.
Coding change: c.322G>A on transcript NM_000424.4 (MANE Select); coding-DNA position 322, G replaced by A.
Protein change: p.Gly108Ser; replaces glycine 108 with serine.
Molecular consequence: missense variant.
Genome position (GRCh38, 1-based): chr12:52,519,975, C>T on the plus strand (G>A on the coding strand, the complement: KRT5 is on the minus strand). VCF-style: chr12-52519975-C-T. GRCh37 (hg19) VCF-style: chr12-52913759-C-T.
Other names: short protein forms G108S.
Identifiers: ClinVar variation 1314293 (VCV001314293.7), dbSNP rs146022149, ClinGen allele CA6582868.

ClinVar aggregate classification (germline): Conflicting classifications of pathogenicity. Review status: criteria provided, conflicting classifications (1 of 4 stars). 3 submissions from 3 submitters: Uncertain significance (1); Benign (1). 1 of the submissions does not count toward it. Last evaluated 2026-09-17.

Conditions:
KRT5-related disorder. Also called: KRT5-related condition.

Allele frequency attached by ClinVar (database versions not stated): gnomAD exomes 0.00033; 1000 Genomes Project 0.00140; 1000 Genomes Project 30x 0.00141; ExAC 0.00035; ESP Exome Variant Server 0.00161.
gnomAD v4.1: 412 of 1,612,826 alleles (0.026%); highest among the groups gnomAD compares: African/African-American, 0.45%; 3 homozygotes.

Submissions (3):

GeneDx
Classification: Uncertain significance. Last evaluated: 2026-09-17. Review status: criteria provided, single submitter. Criteria: GeneDx Variant Classification Process June 2021. Collection method: clinical testing. Allele origin: germline.
Comment: Has not been previously published as pathogenic or benign to our knowledge; In silico analysis supports that this missense variant has a deleterious effect on protein structure/function

Labcorp Genetics (formerly Invitae), Labcorp
Classification: Benign. Last evaluated: 2024-07-31. Review status: criteria provided, single submitter. Criteria: Invitae Variant Classification Sherloc (09022015). Collection method: clinical testing. Allele origin: germline.

PreventionGenetics, part of Exact Sciences
Classification: Likely benign for KRT5-related condition. Last evaluated: 2024-07-25. Review status: no assertion criteria provided. Collection method: clinical testing. Allele origin: germline. Not counted in ClinVar's aggregate classification.
Comment: This variant is classified as likely benign based on ACMG/AMP sequence variant interpretation guidelines (Richards et al. 2015 PMID: 25741868, with internal and published modifications).